The following is an entry in ClinVar:

ClinVar aggregate classification (germline): Uncertain significance (1 of 4 stars; one submission).

Conditions:
Aortic aneurysm, familial thoracic 7 (AAT7). Also called: AORTIC DISSECTION, FAMILIAL, WITH OR WITHOUT AORTIC ANEURYSM. Identifiers: MedGen C3151077, MONDO:0013418, OMIM 613780.

Submission:

Labcorp Genetics (formerly Invitae), Labcorp
Classification: Uncertain significance for Aortic aneurysm, familial thoracic 7. Last evaluated: 2024-01-10. Review status: criteria provided, single submitter. Criteria: Invitae Variant Classification Sherloc (09022015). Collection method: clinical testing. Allele origin: germline.
Comment: This sequence change replaces glutamic acid, which is acidic and polar, with aspartic acid, which is acidic and polar, at codon 319 of the MYLK protein (p.Glu319Asp). This variant is not present in population databases (gnomAD no frequency). This variant has not been reported in the literature in individuals affected with MYLK-related conditions. Advanced modeling of protein sequence and biophysical properties (such as structural, functional, and spatial information, amino acid conservation, physicochemical variation, residue mobility, and thermodynamic stability) performed at Invitae indicates that this missense variant is not expected to disrupt MYLK protein function with a negative predictive value of 95%. In summary, the available evidence is currently insufficient to determine the role of this variant in disease. Therefore, it has been classified as a Variant of Uncertain Significance.

NM_053025.4(MYLK):c.957G>T (p.Glu319Asp)

Gene: MYLK (myosin light chain kinase; minus strand). Cytogenetic location: 3q21.1.
Variant type: single nucleotide variant.
Coding change: c.957G>T on transcript NM_053025.4 (MANE Select); coding-DNA position 957, G replaced by T.
Protein change: p.Glu319Asp; replaces glutamic acid 319 with aspartic acid.
Molecular consequence: missense variant.
Genome position (GRCh38, 1-based): chr3:123,734,039, C>A on the plus strand (G>T on the coding strand, the complement: MYLK is on the minus strand). VCF-style: chr3-123734039-C-A. GRCh37 (hg19) VCF-style: chr3-123452886-C-A.
Other names: c.429G>T, p.Glu143Asp (NM_001321309.2); c.957G>T, p.Glu319Asp (NM_053026.4, NM_053027.4, NM_053028.4); short protein forms E319D, E143D.
Identifiers: ClinVar variation 2970083 (VCV002970083.3), dbSNP rs864622770, ClinGen allele CA354239788.
Genomic context (GRCh38, chr3:123,734,039, plus strand): 5'-CTGAAGGACCGGGGTCTGCGGGGCCGTTCTGGGCGAGTCCTTGCATGACTCCAGCTTGGA[C>A]TCCCTTGGGGGCTGAGGCTGGCTGTTTGCAGCCCAGGGTGGGGAGCCACCTCTCTGGGGG-3'
Protein context (NP_444253.3, residues 309-329): AANSQPQPPR[Glu319Asp]SKLESCKDSP